The following is an entry in ClinVar:

ClinVar aggregate classification (germline): Pathogenic (1 of 4 stars; one submission).

Conditions:
Arrhythmogenic right ventricular dysplasia 9 (ARVD9). Also called: Arrhythmogenic Right Ventricular Dysplasia/Cardiomyopathy 9; ARRHYTHMOGENIC RIGHT VENTRICULAR DYSPLASIA, FAMILIAL, 9. Identifiers: MedGen C1836906, MONDO:0012180, OMIM 609040.

Submission:

Labcorp Genetics (formerly Invitae), Labcorp
Classification: Pathogenic for Arrhythmogenic right ventricular dysplasia 9. Last evaluated: 2023-05-15. Review status: criteria provided, single submitter. Criteria: Invitae Variant Classification Sherloc (09022015). Collection method: clinical testing. Allele origin: germline.
Comment: For these reasons, this variant has been classified as Pathogenic. This premature translational stop signal has been observed in individual(s) with dilated cardiomyopathy (PMID: 31983221). This variant is not present in population databases (gnomAD no frequency). This sequence change creates a premature translational stop signal (p.Glu182Lysfs*8) in the PKP2 gene. It is expected to result in an absent or disrupted protein product. Loss-of-function variants in PKP2 are known to be pathogenic (PMID: 15489853, 23911551).

Literature cited by the submitters: PubMed 31983221; PubMed 15489853; PubMed 23911551.

NM_001005242.3(PKP2):c.544del (p.Glu182fs)

Gene: PKP2 (plakophilin 2; minus strand). Cytogenetic location: 12p11.21.
Variant type: Deletion.
Coding change: c.544del on transcript NM_001005242.3 (MANE Select); coding-DNA position 544, one base deleted (G; older notation c.544delG).
Protein change: p.Glu182fs; shifts the reading frame from glutamic acid 182.
Molecular consequence: frameshift variant.
Genome position (GRCh38, 1-based): chr12:32,878,336, C deleted on the plus strand (G on the coding strand, the reverse complement: PKP2 is on the minus strand). VCF-style (leftmost placement, unchanged base first): chr12-32878335-TC-T. GRCh37 (hg19) VCF-style: chr12-33031269-TC-T.
Other names: c.544del, p.Glu182fs (NM_004572.4, NM_001407155.1, NM_001407156.1 and 2 more transcripts); c.217del, p.Glu73fs (NM_001407158.1, NM_001407159.1, NM_001407160.1 and 1 more transcripts); short protein forms E182fs, E73fs.
Identifiers: ClinVar variation 2735827 (VCV002735827.3), dbSNP rs2541341442, ClinGen allele CA2695216200.